The following is an entry in ClinVar:

NM_000059.4(BRCA2):c.4587G>T (p.Gly1529=)

Gene: BRCA2 (BRCA2 DNA repair associated; plus strand). Cytogenetic location: 13q13.1.
Variant type: single nucleotide variant.
Coding change: c.4587G>T on transcript NM_000059.4 (MANE Select); coding-DNA position 4587, G replaced by T.
Protein change: p.Gly1529=; no amino-acid change (glycine 1529 retained).
Molecular consequence: synonymous variant.
Genome position (GRCh38, 1-based): chr13:32,338,942, G>T. VCF-style: chr13-32338942-G-T. GRCh37 (hg19) VCF-style: chr13-32913079-G-T.
Identifiers: ClinVar variation 409597 (VCV000409597.12), dbSNP rs1060502489, ClinGen allele CA16613973.

ClinVar aggregate classification (germline): Likely benign. Review status: reviewed by expert panel (3 of 4 stars). 3 submissions from 3 submitters: Likely benign (1). 2 of the submissions do not count toward it. Last evaluated 2017-06-29.

Conditions:
Hereditary cancer-predisposing syndrome. Also called: Hereditary neoplastic syndrome; Neoplastic Syndromes, Hereditary; Tumor predisposition; Hereditary Cancer Syndrome. Identifiers: Orphanet 140162, MedGen C0027672, MeSH D009386, MONDO:0015356.
Hereditary breast ovarian cancer syndrome. Also called: Hereditary breast and ovarian cancer syndrome; Hereditary breast and/or ovarian cancer syndrome; BRCA1- and BRCA2-Associated Hereditary Breast and Ovarian Cancer; Hereditary breast and ovarian cancer syndrome (HBOC); Hereditary breast and ovarian cancer; Breast and ovarian cancer. Identifiers: Orphanet 145, MedGen C0677776, MeSH D061325, MONDO:0003582. Disease mechanism: loss of function.
Breast-ovarian cancer, familial, susceptibility to, 2 (BROVCA2). Also called: BRCA2 Hereditary Breast and Ovarian Cancer. Identifiers: Orphanet 145, MedGen C2675520, MONDO:0012933, OMIM 612555. Disease mechanism: loss of function.

Submissions (3):

Evidence-based Network for the Interpretation of Germline Mutant Alleles (ENIGMA)
Classification: Likely benign for Breast-ovarian cancer, familial, susceptibility to, 2. Last evaluated: 2017-06-29. Review status: reviewed by expert panel. Criteria: ENIGMA BRCA1/2 Classification Criteria (2017-06-29). Collection method: curation. Allele origin: germline.
Comment: Synonymous substitution variant, with low bioinformatic likelihood to result in a splicing aberration (Splicing prior probability 0.02).

Ambry Genetics
Classification: Likely benign for Hereditary cancer-predisposing syndrome. Last evaluated: 2024-05-11. Review status: criteria provided, single submitter. Criteria: Ambry Variant Classification Scheme 2023. Collection method: clinical testing. Allele origin: germline. Not counted in ClinVar's aggregate classification.

Labcorp Genetics (formerly Invitae), Labcorp
Classification: Likely benign for Hereditary breast ovarian cancer syndrome. Last evaluated: 2022-06-12. Review status: criteria provided, single submitter. Criteria: Invitae Variant Classification Sherloc (09022015). Collection method: clinical testing. Allele origin: germline. Not counted in ClinVar's aggregate classification.